The following is an entry in ClinVar:

NM_012424.6(RPS6KC1):c.1364G>T (p.Ser455Ile)

Gene: RPS6KC1 (ribosomal protein S6 kinase C1; plus strand). Cytogenetic location: 1q32.3.
Variant type: single nucleotide variant.
Coding change: c.1364G>T on transcript NM_012424.6 (MANE Select); coding-DNA position 1364, G replaced by T.
Protein change: p.Ser455Ile; replaces serine 455 with isoleucine.
Molecular consequence: missense variant. On other transcripts: 5 prime UTR variant (11), non-coding transcript variant (4).
Genome position (GRCh38, 1-based): chr1:213,240,840, G>T. VCF-style: chr1-213240840-G-T. GRCh37 (hg19) VCF-style: chr1-213414183-G-T.
Other names: c.1328G>T, p.Ser443Ile (NM_001136138.4); c.728G>T, p.Ser243Ile (NM_001287218.3, NM_001287219.3, NM_001349654.2); c.-32G>T (NM_001287220.3, NM_001349663.2, NM_001349664.2 and 8 more transcripts); c.821G>T, p.Ser274Ile (NM_001287221.3, NM_001349648.2, NM_001349649.2 and 4 more transcripts); c.1271G>T, p.Ser424Ile (NM_001349646.2); c.1001G>T, p.Ser334Ile (NM_001349647.2); c.473G>T, p.Ser158Ile (NM_001349657.2, NM_001349658.2); c.308G>T, p.Ser103Ile (NM_001349659.2, NM_001349660.2, NM_001349661.2 and 1 more transcripts); short protein forms S243I, S274I, S158I, S424I, S103I, S334I, S443I, S455I.
Identifiers: ClinVar variation 1964921 (VCV001964921.5), dbSNP rs2547610220, ClinGen allele CA344889424.

ClinVar aggregate classification (germline): Uncertain significance (1 of 4 stars; one submission).

Submission:

Labcorp Genetics (formerly Invitae), Labcorp
Classification: Uncertain significance. Last evaluated: 2022-06-27. Review status: criteria provided, single submitter. Criteria: Invitae Variant Classification Sherloc (09022015). Collection method: clinical testing. Allele origin: germline.
Comment: Algorithms developed to predict the effect of missense changes on protein structure and function are either unavailable or do not agree on the potential impact of this missense change (SIFT: "Deleterious"; PolyPhen-2: "Possibly Damaging"; Align-GVGD: "Class C15"). This variant has not been reported in the literature in individuals affected with RPS6KC1-related conditions. This variant is not present in population databases (gnomAD no frequency). This sequence change replaces serine, which is neutral and polar, with isoleucine, which is neutral and non-polar, at codon 455 of the RPS6KC1 protein (p.Ser455Ile). In summary, the available evidence is currently insufficient to determine the role of this variant in disease. Therefore, it has been classified as a Variant of Uncertain Significance.